The following is an entry in ClinVar:

NM_001374828.1(ARID1B):c.4716C>T (p.Gly1572=)

Gene: ARID1B (AT-rich interaction domain 1B; plus strand). Cytogenetic location: 6q25.3.
Variant type: single nucleotide variant.
Coding change: c.4716C>T on transcript NM_001374828.1 (MANE Select); coding-DNA position 4716, C replaced by T.
Protein change: p.Gly1572=; no amino-acid change (glycine 1572 retained).
Molecular consequence: synonymous variant.
Genome position (GRCh38, 1-based): chr6:157,200,941, C>T. VCF-style: chr6-157200941-C-T. GRCh37 (hg19) VCF-style: chr6-157522075-C-T.
Other names: c.4347C>T (NM_020732.3); c.2217C>T, p.Gly739= (NM_001363725.2); c.4596C>T, p.Gly1532= (NM_001371656.1, NM_001374820.1); c.4557C>T, p.Gly1519= (NM_017519.3).
Identifiers: ClinVar variation 1222489 (VCV001222489.18), dbSNP rs143236717, ClinGen allele CA4067691.

ClinVar aggregate classification (germline): Benign/Likely benign. Review status: criteria provided, multiple submitters, no conflicts (2 of 4 stars). 5 submissions from 5 submitters: Benign (2); Likely benign (3). Last evaluated 2025-12-01.

Conditions:
Inborn genetic diseases. Identifiers: MedGen C0950123, MeSH D030342.

Allele frequency attached by ClinVar (database versions not stated): gnomAD exomes 0.00007 and 0.00018; ExAC 0.00018; 1000 Genomes Project 0.00040; TOPMed 0.00050; gnomAD 0.00051 and 0.00055; 1000 Genomes Project 30x 0.00078; ESP Exome Variant Server 0.00092.
gnomAD v4.1: 194 of 1,613,846 alleles (0.012%); highest among the groups gnomAD compares: African/African-American, 0.17%; 1 homozygote.

Submissions (5):

CeGaT Center for Human Genetics Tuebingen
Classification: Likely benign. Last evaluated: 2025-12-01. Review status: criteria provided, single submitter. Criteria: CeGaT Center For Human Genetics Tuebingen Variant Classification Criteria Version 2. Collection method: clinical testing. Allele origin: germline. Affected: yes. Observed: 1 variant allele.
Comment: ARID1B: BP4, BP7

Labcorp Genetics (formerly Invitae), Labcorp
Classification: Benign. Last evaluated: 2025-11-03. Review status: criteria provided, single submitter. Criteria: Invitae Variant Classification Sherloc (09022015). Collection method: clinical testing. Allele origin: germline.

Blueprint Genetics
Classification: Likely benign. Last evaluated: 2023-05-09. Review status: criteria provided, single submitter. Criteria: ACMG Guidelines, 2015. Collection method: clinical testing. Allele origin: germline.

GeneDx
Classification: Benign. Last evaluated: 2020-01-28. Review status: criteria provided, single submitter. Criteria: GeneDx Variant Classification Process June 2021. Collection method: clinical testing. Allele origin: germline. Affected: yes.

Ambry Genetics
Classification: Likely benign for Inborn genetic diseases. Last evaluated: 2017-08-09. Review status: criteria provided, single submitter. Criteria: Ambry Variant Classification Scheme 2023. Collection method: clinical testing. Allele origin: germline.